The following is an entry in ClinVar:

NM_001220.5(CAMK2B):c.1003A>G (p.Met335Val)

Gene: CAMK2B (calcium/calmodulin dependent protein kinase II beta; minus strand). Cytogenetic location: 7p13.
Variant type: single nucleotide variant.
Coding change: c.1003A>G on transcript NM_001220.5 (MANE Select); coding-DNA position 1003, A replaced by G.
Protein change: p.Met335Val; replaces methionine 335 with valine.
Molecular consequence: missense variant. On other transcripts: intron variant (5).
Genome position (GRCh38, 1-based): chr7:44,239,607, T>C on the plus strand (A>G on the coding strand, the complement: CAMK2B is on the minus strand). VCF-style: chr7-44239607-T-C. GRCh37 (hg19) VCF-style: chr7-44279206-T-C.
Other names: c.1003A>G, p.Met335Val (NM_001293170.2, NM_172078.3, NM_172082.3); c.946+1100A>G (NM_172084.3, NM_172080.3, NM_172083.3 and 2 more transcripts); short protein forms M335V.
Identifiers: ClinVar variation 1307687 (VCV001307687.2), dbSNP rs1169467321, ClinGen allele CA367362188.
Genomic context (GRCh38, chr7:44,239,607, plus strand): 5'-GACGGGCGGGAGCGGGCGGGACGCTGGTCGAGACACATCTACCTTGTTCCACCAGCCCCA[T>C]GGTGGTGCCGGAGGCCGCGGTGGACATTGTGGCCGGAGCGGTGGTCTGTCTGCCCACTGT-3'
Protein context (NP_001211.3, residues 325-345): TMSTAASGTT[Met335Val]GLVEQAKSLL

ClinVar aggregate classification (germline): Uncertain significance (1 of 4 stars; one submission).

Allele frequency attached by ClinVar (database versions not stated): gnomAD exomes below 0.00001; TOPMed 0.00001.
gnomAD v4.1: 2 of 1,542,678 alleles (0.00013%); highest among the groups gnomAD compares: South Asian, 0.0012%; no homozygotes.

Submission:

GeneDx
Classification: Uncertain significance. Last evaluated: 2019-08-12. Review status: criteria provided, single submitter. Criteria: GeneDx Variant Classification Process June 2021. Collection method: clinical testing. Allele origin: germline. Affected: yes.
Comment: Not observed in large population cohorts (Lek et al., 2016); In silico analysis, which includes protein predictors and evolutionary conservation, supports that this variant does not alter protein structure/function; Has not been previously published as pathogenic or benign to our knowledge